The following is an entry in ClinVar:

ClinVar aggregate classification (germline): Pathogenic. Review status: criteria provided, multiple submitters, no conflicts (2 of 4 stars). 3 submissions from 3 submitters: Pathogenic (3). Last evaluated 2026-07-23.

Conditions:
Hereditary nonpolyposis colorectal neoplasms. Identifiers: MedGen C0009405, MeSH D003123.
Lynch syndrome 5 (LYNCH5). Also called: Hereditary non-polyposis colorectal cancer, type 5; Colorectal cancer, hereditary nonpolyposis, type 5. Identifiers: Orphanet 144, MedGen C1833477, MONDO:0013710, OMIM 614350. Disease mechanism: loss of function.
Hereditary cancer-predisposing syndrome. Also called: Hereditary neoplastic syndrome; Hereditary Cancer Syndrome; Neoplastic Syndromes, Hereditary; Tumor predisposition. Identifiers: Orphanet 140162, MedGen C0027672, MeSH D009386, MONDO:0015356.

Submissions (3):

Ambry Genetics
Classification: Pathogenic for Hereditary cancer-predisposing syndrome. Last evaluated: 2026-07-23. Review status: criteria provided, single submitter. Criteria: Ambry Variant Classification Scheme 2023. Collection method: clinical testing. Allele origin: germline.
Comment: The c.331delT pathogenic mutation, located in coding exon 2 of the MSH6 gene, results from a deletion of one nucleotide at nucleotide position 331, causing a translational frameshift with a predicted alternate stop codon (p.Y111Tfs*38). This variant is considered to be rare based on population cohorts in the Genome Aggregation Database (gnomAD). This alteration is expected to result in loss of function by premature protein truncation or nonsense-mediated mRNA decay. As such, this alteration is interpreted as a disease-causing mutation.

Labcorp Genetics (formerly Invitae), Labcorp
Classification: Pathogenic for Hereditary nonpolyposis colorectal neoplasms. Last evaluated: 2024-09-30. Review status: criteria provided, single submitter. Criteria: Invitae Variant Classification Sherloc (09022015). Collection method: clinical testing. Allele origin: germline.
Comment: This sequence change creates a premature translational stop signal (p.Tyr111Thrfs*38) in the MSH6 gene. It is expected to result in an absent or disrupted protein product. Loss-of-function variants in MSH6 are known to be pathogenic (PMID: 18269114, 24362816). This variant is not present in population databases (gnomAD no frequency). This variant has not been reported in the literature in individuals affected with MSH6-related conditions. For these reasons, this variant has been classified as Pathogenic.

Myriad Genetics, Inc.
Classification: Pathogenic for Lynch syndrome 5. Last evaluated: 2023-08-10. Review status: criteria provided, single submitter. Criteria: Myriad Autosomal Dominant, Autosomal Recessive and X-Linked Classification Criteria (2023). Collection method: clinical testing. Allele origin: unknown.
Comment: This variant is considered pathogenic. This variant creates a frameshift predicted to result in premature protein truncation.

Literature cited by the submitters: PubMed 18269114 (cited by Labcorp Genetics (formerly Invitae), Labcorp); PubMed 24362816 (cited by Labcorp Genetics (formerly Invitae), Labcorp).

NM_000179.3(MSH6):c.331del (p.Tyr111fs)

Gene: MSH6 (mutS homolog 6; plus strand). Cytogenetic location: 2p16.3.
Variant type: Deletion.
Coding change: c.331del on transcript NM_000179.3 (MANE Select); coding-DNA position 331, one base deleted (T; older notation c.331delT).
Protein change: p.Tyr111fs; shifts the reading frame from tyrosine 111.
Molecular consequence: frameshift variant. On other transcripts: 5 prime UTR variant (7), non-coding transcript variant (5), intron variant (6).
Genome position (GRCh38, 1-based): chr2:47,790,997, T deleted; the last of 3 consecutive T bases (chr2:47,790,995-47,790,997); deleting any one gives the same sequence. VCF-style (leftmost placement, unchanged base first): chr2-47790994-GT-G. GRCh37 (hg19) VCF-style: chr2-48018133-GT-G.
Other names: c.-406del (NM_001281493.2, NM_001406811.1, NM_001406823.1 and 1 more transcripts); c.-572del (NM_001281494.2); c.427del, p.Tyr143fs (NM_001406795.1, NM_001406802.1); c.331del, p.Tyr111fs (NM_001406796.1, NM_001406798.1, NM_001406800.1 and 6 more transcripts); c.34del, p.Tyr12fs (NM_001406797.1, NM_001406801.1, NM_001406805.1 and 10 more transcripts); c.253del, p.Tyr85fs (NM_001406804.1); c.-598del (NM_001406807.1); c.-664del (NM_001406814.1); and 6 more; short protein forms Y111fs, Y12fs, Y143fs, Y55fs, Y85fs.
Identifiers: ClinVar variation 2673692 (VCV002673692.4), dbSNP rs2530434287, ClinGen allele CA2658965731.